The following is an entry in ClinVar:

ClinVar aggregate classification (germline): Conflicting classifications of pathogenicity. Review status: criteria provided, conflicting classifications (1 of 4 stars). 9 submissions from 8 submitters: Uncertain significance (1); Benign (4); Likely benign (4). Last evaluated 2026-01-27.

Conditions:
Stickler syndrome type 1 (STL1). Also called: ARTHROOPHTHALMOPATHY, HEREDITARY PROGRESSIVE; STICKLER SYNDROME, MEMBRANOUS VITREOUS TYPE; STICKLER SYNDROME, VITREOUS TYPE 1; COL2A1-Related Stickler Syndrome. Identifiers: Orphanet 828, Orphanet 90653, MedGen C2020284, MONDO:0007160, OMIM 108300.
Connective tissue disorder. Also called: Connective tissue disease. Identifiers: MedGen C0009782, MONDO:0003900.
Type 2 collagenopathy. Identifiers: Orphanet 93421, MedGen C2931073, MONDO:0022800.

Allele frequency attached by ClinVar (database versions not stated): ExAC 0.00016; 1000 Genomes Project 30x 0.00031; TOPMed 0.00038; gnomAD 0.00121 and 0.00128.
gnomAD v4.1: 1,048 of 1,541,102 alleles (0.068%); highest among the groups gnomAD compares: Non-Finnish European, 0.054%; 3 homozygotes.

Submissions (9):

Labcorp Genetics (formerly Invitae), Labcorp
Classification: Likely benign. Last evaluated: 2026-01-27. Review status: criteria provided, single submitter. Criteria: Invitae Variant Classification Sherloc (09022015). Collection method: clinical testing. Allele origin: germline.

Blueprint Genetics
Classification: Likely benign. Last evaluated: 2024-11-21. Review status: criteria provided, single submitter. Criteria: ACMG Guidelines, 2015. Collection method: clinical testing. Allele origin: germline.

ARUP Laboratories, Molecular Genetics and Genomics, ARUP Laboratories
Classification: Benign. Last evaluated: 2023-09-08. Review status: criteria provided, single submitter. Criteria: ARUP Molecular Germline Variant Investigation Process 2024. Collection method: clinical testing. Allele origin: germline.

CeGaT Center for Human Genetics Tuebingen
Classification: Likely benign. Last evaluated: 2023-06-01. Review status: criteria provided, single submitter. Criteria: CeGaT Center For Human Genetics Tuebingen Variant Classification Criteria Version 2. Collection method: clinical testing. Allele origin: germline. Affected: yes. Observed: 1 variant allele.
Comment: COL2A1: BS1

Genome Diagnostics Laboratory, The Hospital for Sick Children
Classification: Benign for Connective tissue disorder. Last evaluated: 2018-12-01. Review status: criteria provided, single submitter. Criteria: ACMG Guidelines, 2015. Collection method: clinical testing. Allele origin: germline.

Center for Human Genetics, Inc
Classification: Likely benign for Connective tissue disorder. Last evaluated: 2018-06-01. Review status: criteria provided, single submitter. Criteria: ACMG Guidelines, 2015. Collection method: clinical testing. Allele origin: germline. Affected: yes.

GeneDx
Classification: Benign. Last evaluated: 2018-01-22. Review status: criteria provided, single submitter. Criteria: GeneDx Variant Classification (06012015). Collection method: clinical testing. Allele origin: germline. Affected: yes.
Comment: This variant is considered likely benign or benign based on one or more of the following criteria: it is a conservative change, it occurs at a poorly conserved position in the protein, it is predicted to be benign by multiple in silico algorithms, and/or has population frequency not consistent with disease.

Illumina Laboratory Services, Illumina
Classification: Benign for Type II Collagenopathies. Last evaluated: 2018-01-13. Review status: criteria provided, single submitter. Criteria: ICSL Variant Classification Criteria 13 December 2019. Collection method: clinical testing. Allele origin: germline.
Comment: This variant was observed in the ICSL laboratory as part of a predisposition screen in an ostensibly healthy population. It had not been previously curated by ICSL or reported in the Human Gene Mutation Database (HGMD: prior to June 1st, 2018), and was therefore a candidate for classification through an automated scoring system. Utilizing variant allele frequency, disease prevalence and penetrance estimates, and inheritance mode, an automated score was calculated to assess if this variant is too frequent to cause the disease. Based on the score and internal cut-off values, a variant classified as benign is not then subjected to further curation. The score for this variant resulted in a classification of benign for this disease.

Illumina Laboratory Services, Illumina
Classification: Uncertain significance for Stickler syndrome type 1. Last evaluated: 2018-01-13. Review status: criteria provided, single submitter. Criteria: ICSL Variant Classification Criteria 13 December 2019. Collection method: clinical testing. Allele origin: germline.

NM_001844.5(COL2A1):c.85+10C>G

Gene: COL2A1 (collagen type II alpha 1 chain; minus strand). Cytogenetic location: 12q13.11.
Variant type: single nucleotide variant.
Coding change: c.85+10C>G on transcript NM_001844.5 (MANE Select); 10 bases into the intron after coding-DNA position 85, C replaced by G.
Molecular consequence: intron variant.
Genome position (GRCh38, 1-based): chr12:48,004,227, G>C on the plus strand (C>G on the coding strand, the complement: COL2A1 is on the minus strand). VCF-style: chr12-48004227-G-C. GRCh37 (hg19) VCF-style: chr12-48398010-G-C.
Other names: c.85+10C>G (NM_033150.3).
Identifiers: ClinVar variation 308937 (VCV000308937.43), dbSNP rs769941617, ClinGen allele CA6536118.